The following is an entry in ClinVar:

ClinVar aggregate classification (germline): Uncertain significance. Review status: criteria provided, multiple submitters, no conflicts (2 of 4 stars). 2 submissions from 2 submitters: Uncertain significance (2). Last evaluated 2019-01-17.

Conditions:
Hereditary nonpolyposis colorectal neoplasms. Identifiers: MedGen C0009405, MeSH D003123.
Hereditary cancer-predisposing syndrome. Also called: Tumor predisposition; Hereditary Cancer Syndrome; Hereditary neoplastic syndrome; Neoplastic Syndromes, Hereditary. Identifiers: Orphanet 140162, MedGen C0027672, MeSH D009386, MONDO:0015356.

Submissions (2):

Ambry Genetics
Classification: Uncertain significance for Hereditary cancer-predisposing syndrome. Last evaluated: 2019-01-17. Review status: criteria provided, single submitter. Criteria: Ambry Variant Classification Scheme 2023. Collection method: clinical testing. Allele origin: germline.
Comment: The p.F709L variant (also known as c.2127C>G), located in coding exon 12 of the PMS2 gene, results from a C to G substitution at nucleotide position 2127. The phenylalanine at codon 709 is replaced by leucine, an amino acid with highly similar properties. This amino acid position is highly conserved in available vertebrate species. In addition, this alteration is predicted to be deleterious by in silico analysis. Since supporting evidence is limited at this time, the clinical significance of this alteration remains unclear.

Labcorp Genetics (formerly Invitae), Labcorp
Classification: Uncertain significance for Hereditary nonpolyposis colorectal neoplasms. Last evaluated: 2016-11-02. Review status: criteria provided, single submitter. Criteria: Invitae Variant Classification Sherloc (09022015). Collection method: clinical testing. Allele origin: germline.
Comment: In summary, this variant is a novel missense change with uncertain impact on protein function. It has been classified as a Variant of Uncertain Significance. Algorithms developed to predict the effect of missense changes on protein structure and function do not agree on the potential impact of this missense change (SIFT: "Deleterious"; PolyPhen-2: "Probably Damaging"; Align-GVGD: "Class C0"). This variant is not present in population databases (ExAC no frequency) and has not been reported in the literature in individuals with a PMS2-related disease. This sequence change replaces phenylalanine with leucine at codon 709 of the PMS2 protein (p.Phe709Leu). The phenylalanine residue is moderately conserved and there is a small physicochemical difference between phenylalanine and leucine.

NM_000535.7(PMS2):c.2127C>G (p.Phe709Leu)

Gene: PMS2 (PMS1 homolog 2, mismatch repair system component; minus strand). Cytogenetic location: 7p22.1.
Variant type: single nucleotide variant.
Coding change: c.2127C>G on transcript NM_000535.7 (MANE Select); coding-DNA position 2127, C replaced by G.
Protein change: p.Phe709Leu; replaces phenylalanine 709 with leucine.
Molecular consequence: missense variant. On other transcripts: non-coding transcript variant (1).
Genome position (GRCh38, 1-based): chr7:5,982,871, G>C on the plus strand (C>G on the coding strand, the complement: PMS2 is on the minus strand). VCF-style: chr7-5982871-G-C. GRCh37 (hg19) VCF-style: chr7-6022502-G-C.
Other names: c.1722C>G, p.Phe574Leu (NM_001322003.2, NM_001322004.2, NM_001322005.2 and 1 more transcripts); c.1971C>G, p.Phe657Leu (NM_001322006.2); c.1809C>G, p.Phe603Leu (NM_001322007.2, NM_001322008.2); c.1566C>G, p.Phe522Leu (NM_001322010.2); c.1194C>G, p.Phe398Leu (NM_001322011.2, NM_001322012.2); c.1554C>G, p.Phe518Leu (NM_001322013.2); c.2127C>G, p.Phe709Leu (NM_001322014.2); c.1818C>G, p.Phe606Leu (NM_001322015.2); short protein forms F709L, F398L, F522L, F518L, F574L, F603L, F657L, F606L.
Identifiers: ClinVar variation 411080 (VCV000411080.12), dbSNP rs199943748, ClinGen allele CA16612211.